The following is an entry in ClinVar:

ClinVar aggregate classification (germline): Pathogenic (1 of 4 stars; one submission).

Conditions:
Kabuki syndrome. Also called: NIIKAWA-KUROKI SYNDROME; Kabuki make-up syndrome. Identifiers: Orphanet 2322, MedGen C0796004, MONDO:0016512.

Submission:

Labcorp Genetics (formerly Invitae), Labcorp
Classification: Pathogenic for Kabuki syndrome. Last evaluated: 2024-10-01. Review status: criteria provided, single submitter. Criteria: Invitae Variant Classification Sherloc (09022015). Collection method: clinical testing. Allele origin: germline.
Comment: This sequence change creates a premature translational stop signal (p.Gln3499*) in the KMT2D gene. It is expected to result in an absent or disrupted protein product. Loss-of-function variants in KMT2D are known to be pathogenic (PMID: 22126750). This variant is not present in population databases (gnomAD no frequency). This variant has not been reported in the literature in individuals affected with KMT2D-related conditions. Algorithms developed to predict the effect of sequence changes on RNA splicing suggest that this variant may disrupt the consensus splice site. For these reasons, this variant has been classified as Pathogenic.

Literature cited by the submitters: PubMed 22126750.

NM_003482.4(KMT2D):c.10495C>T (p.Gln3499Ter)

Gene: KMT2D (lysine methyltransferase 2D; minus strand). Cytogenetic location: 12q13.12.
Variant type: single nucleotide variant.
Coding change: c.10495C>T on transcript NM_003482.4 (MANE Select); coding-DNA position 10495, C replaced by T.
Protein change: p.Gln3499Ter; replaces glutamine 3499 with a stop codon.
Molecular consequence: nonsense.
Genome position (GRCh38, 1-based): chr12:49,034,422, G>A on the plus strand (C>T on the coding strand, the complement: KMT2D is on the minus strand). VCF-style: chr12-49034422-G-A. GRCh37 (hg19) VCF-style: chr12-49428205-G-A.
Other names: short protein forms Q3499*.
Identifiers: ClinVar variation 3721965 (VCV003721965.2).